The following is an entry in ClinVar:

NM_001148.6(ANK2):c.8503C>T (p.Pro2835Ser)

Gene: ANK2 (ankyrin 2; plus strand). Cytogenetic location: 4q26.
Variant type: single nucleotide variant.
Coding change: c.8503C>T on transcript NM_001148.6 (MANE Select); coding-DNA position 8503, C replaced by T.
Protein change: p.Pro2835Ser; replaces proline 2835 with serine.
Molecular consequence: missense variant. On other transcripts: intron variant (68).
Genome position (GRCh38, 1-based): chr4:113,357,121, C>T. VCF-style: chr4-113357121-C-T. GRCh37 (hg19) VCF-style: chr4-114278277-C-T.
Other names: c.8269C>T, p.Pro2757Ser (NM_001386142.1); c.4903C>T, p.Pro1635Ser (NM_001386166.1); c.8644C>T, p.Pro2882Ser (NM_001386174.1); c.8620C>T, p.Pro2874Ser (NM_001386175.1); c.4412-3702C>T (NM_001386186.2, NM_001386148.2); c.4214-3702C>T (NM_001354269.3); c.4292-3702C>T (NM_001386187.2); c.4253-3702C>T (NM_001386147.1); and 36 more; short protein forms P2835S, P1635S, P2757S, P2874S, P2882S.
Identifiers: ClinVar variation 191560 (VCV000191560.68), dbSNP rs3733617, ClinGen allele CA199890.
Genomic context (GRCh38, chr4:113,357,121, plus strand): 5'-CAAGGCACTCATGAAAAAGACACAGAGGGAGAAGAGCTTGATGTTTCTAGAGCAGAATCT[C>T]CACAAGCAGATTGCCCCAGTGAAAGCTTTTCATCTTCATCCTCTTTGCCTCATTGTTTGG-3'
Protein context (NP_001139.3, residues 2825-2845): EELDVSRAES[Pro2835Ser]QADCPSESFS

ClinVar aggregate classification (germline): Benign. Review status: criteria provided, multiple submitters, no conflicts (2 of 4 stars). 11 submissions from 11 submitters: Benign (11). Last evaluated 2026-02-04.

Conditions:
Cardiovascular phenotype. Identifiers: MedGen CN230736.
Long QT syndrome (LQTS). Identifiers: MedGen C0023976, MeSH D008133, MONDO:0002442. Disease mechanism: loss of function. Inheritance: Various modes of inheritance.
Cardiac arrhythmia, ankyrin-B-related. Also called: ANKYRIN-B SYNDROME. Identifiers: Orphanet 101016, Orphanet 768, MedGen C1970119, MONDO:0010958, OMIM 600919.

Allele frequency attached by ClinVar (database versions not stated): gnomAD exomes 0.05705 and 0.08649; ExAC 0.09004; gnomAD 0.14062 and 0.14405; ESP Exome Variant Server 0.14624; TOPMed 0.15573; 1000 Genomes Project 0.18790; 1000 Genomes Project 30x 0.19457.
gnomAD v4.1: 106,031 of 1,613,944 alleles (6.6%); highest among the groups gnomAD compares: African/African-American, 37%; 7,897 homozygotes.

Submissions (11):

Labcorp Genetics (formerly Invitae), Labcorp
Classification: Benign for Long QT syndrome. Last evaluated: 2026-02-04. Review status: criteria provided, single submitter. Criteria: Invitae Variant Classification Sherloc (09022015). Collection method: clinical testing. Allele origin: germline.

Molecular Diagnostic Laboratory for Inherited Cardiovascular Disease, Montreal Heart Institute
Classification: Benign. Last evaluated: 2025-04-09. Review status: criteria provided, single submitter. Criteria: ACMG Guidelines, 2015. Collection method: clinical testing. Allele origin: germline. Affected: no.

Blueprint Genetics
Classification: Benign. Last evaluated: 2024-11-26. Review status: criteria provided, single submitter. Criteria: ACMG Guidelines, 2015. Collection method: clinical testing. Allele origin: germline.

ARUP Laboratories, Molecular Genetics and Genomics, ARUP Laboratories
Classification: Benign. Last evaluated: 2023-11-29. Review status: criteria provided, single submitter. Criteria: ARUP Molecular Germline Variant Investigation Process 2024. Collection method: clinical testing. Allele origin: germline.

Genome-Nilou Lab
Classification: Benign for Cardiac arrhythmia, ankyrin-B-related. Last evaluated: 2021-12-05. Review status: criteria provided, single submitter. Criteria: ACMG Guidelines, 2015. Collection method: clinical testing. Allele origin: germline. Affected: no.

Illumina Laboratory Services, Illumina
Classification: Benign for Cardiac arrhythmia, ankyrin-B-related. Last evaluated: 2018-03-06. Review status: criteria provided, single submitter. Criteria: ICSL Variant Classification Criteria 13 December 2019. Collection method: clinical testing. Allele origin: germline.
Comment: This variant was observed in the ICSL laboratory as part of a predisposition screen in an ostensibly healthy population. It had not been previously curated by ICSL or reported in the Human Gene Mutation Database (HGMD: prior to June 1st, 2018), and was therefore a candidate for classification through an automated scoring system. Utilizing variant allele frequency, disease prevalence and penetrance estimates, and inheritance mode, an automated score was calculated to assess if this variant is too frequent to cause the disease. Based on the score and internal cut-off values, a variant classified as benign is not then subjected to further curation. The score for this variant resulted in a classification of benign for this disease.

PreventionGenetics, part of Exact Sciences
Classification: Benign. Last evaluated: 2016-03-18. Review status: criteria provided, single submitter. Criteria: ACMG Guidelines, 2015. Collection method: clinical testing. Allele origin: germline.

Ambry Genetics
Classification: Benign for Cardiovascular phenotype. Last evaluated: 2015-06-26. Review status: criteria provided, single submitter. Criteria: Ambry Variant Classification Scheme 2023. Collection method: clinical testing. Allele origin: germline.

GeneDx
Classification: Benign. Last evaluated: 2015-03-03. Review status: criteria provided, single submitter. Criteria: GeneDx Variant Classification Process June 2021. Collection method: clinical testing. Allele origin: germline. Affected: yes.
Comment: This variant is associated with the following publications: (PMID: 22100668)

Biesecker Lab/Clinical Genomics Section, National Institutes of Health
Classification: Benign. Last evaluated: 2013-06-24. Review status: criteria provided, single submitter. Criteria: Ng et al. (Circ Cardiovasc Genet. 2013). Collection method: research. Allele origin: unknown. Observed: 109 variant alleles. Study: ClinSeq.
Comment: The study set was not selected for affection status in relation to any cancer. Pathogenicity categories were based on literature curation. See Pubmed ID:23861362 for details.

Medical sequencing

Breakthrough Genomics
Classification: Benign. Review status: criteria provided, single submitter. Criteria: ACMG Guidelines, 2015. Collection method: not provided. Allele origin: germline. Inheritance: Autosomal dominant inheritance. Affected: yes.